The following is an entry in ClinVar:

NM_001378969.1(KCND3):c.1218T>A (p.Phe406Leu)

Gene: KCND3 (potassium voltage-gated channel subfamily D member 3; minus strand). Cytogenetic location: 1p13.2.
Variant type: single nucleotide variant.
Coding change: c.1218T>A on transcript NM_001378969.1 (MANE Select); coding-DNA position 1218, T replaced by A.
Protein change: p.Phe406Leu; replaces phenylalanine 406 with leucine.
Molecular consequence: missense variant.
Genome position (GRCh38, 1-based): chr1:111,786,995, A>T on the plus strand (T>A on the coding strand, the complement: KCND3 is on the minus strand). VCF-style: chr1-111786995-A-T. GRCh37 (hg19) VCF-style: chr1-112329617-A-T.
Other names: c.1218T>A, p.Phe406Leu (NM_001378970.1, NM_004980.5, NM_172198.3); short protein forms F406L.
Identifiers: ClinVar variation 5018723 (VCV005018723.2).

ClinVar aggregate classification (germline): Uncertain significance (1 of 4 stars; one submission).

Conditions:
Spinocerebellar ataxia type 19/22 (SCA19). Also called: SPINOCEREBELLAR ATAXIA 22; SPINOCEREBELLAR ATAXIA 19. Identifiers: Orphanet 98772, MedGen C1846367, MONDO:0011819, OMIM 607346.
Brugada syndrome 9 (BRGDA9). Identifiers: Orphanet 130, MedGen C4225340, MONDO:0014621, OMIM 616399.

Submission:

Juno Genomics, Hangzhou Juno Genomics, Inc
Classification: Uncertain significance for Spinocerebellar ataxia type 19/22; Brugada syndrome 9. Review status: criteria provided, single submitter. Criteria: ACMG Guidelines, 2015. Collection method: clinical testing. Allele origin: germline.
Comment: Absent from controls (or at extremely low frequency if recessive) in Genome Aggregation Database.;Missense variant in a gene that has a low rate of benign missense variation.;Multiple lines of computational evidence support a deleterious effect on the gene or gene product.